The following is an entry in ClinVar:

ClinVar aggregate classification (germline): Uncertain significance (1 of 4 stars; one submission).

Conditions:
Basal ganglia calcification, idiopathic, 7, autosomal recessive. Also called: PRIMARY FAMILIAL BRAIN CALCIFICATION 7, AUTOSOMAL RECESSIVE. Identifiers: MedGen C5193025, MONDO:0032673, OMIM 618317.

Allele frequency attached by ClinVar (database versions not stated): TOPMed 0.00002; gnomAD exomes 0.00001; gnomAD 0.00002 and 0.00001.
gnomAD v4.1: 20 of 1,606,098 alleles (0.0012%); highest among the groups gnomAD compares: Non-Finnish European, 0.0017%; no homozygotes.

Submission:

SIB Swiss Institute of Bioinformatics
Classification: Uncertain significance for Basal ganglia calcification, idiopathic, 7, autosomal recessive. Last evaluated: 2019-06-13. Review status: criteria provided, single submitter. Criteria: ACMG Guidelines, 2015. Collection method: curation. Allele origin: unknown.
Comment: This variant is interpreted as a variant of Uncertain significance for Basal ganglia calcification, idiopathic, 7, autosomal recessive. The following ACMG Tag(s) were applied: PM2, PP3.

Literature cited by the submitters: PubMed 31009047.

NM_020702.5(MYORG):c.1300G>C (p.Asp434His)

Gene: MYORG (myogenesis regulating glycosidase; minus strand). Cytogenetic location: 9p13.3.
Variant type: single nucleotide variant.
Coding change: c.1300G>C on transcript NM_020702.5 (MANE Select); coding-DNA position 1300, G replaced by C.
Protein change: p.Asp434His; replaces aspartic acid 434 with histidine.
Molecular consequence: missense variant.
Genome position (GRCh38, 1-based): chr9:34,371,644, C>G on the plus strand (G>C on the coding strand, the complement: MYORG is on the minus strand). VCF-style: chr9-34371644-C-G. GRCh37 (hg19) VCF-style: chr9-34371642-C-G.
Other names: short protein forms D434H.
Identifiers: ClinVar variation 692179 (VCV000692179.1), dbSNP rs916933188, ClinGen allele CA192624967.
Genomic context (GRCh38, chr9:34,371,644, plus strand): 5'-GAGAGCGCAGCCGCCGCAGGTGTCCCTGGAACCAGTCGCGGGCCTTTGGGTGCGTGAAGT[C>G]TAGCACCGCGCCGATGCCGTTCCACCAGCGCACCAGCGCAGGTAACCGGCCCGTGGGTTC-3'
Protein context (NP_065753.2, residues 424-444): RWWNGIGAVL[Asp434His]FTHPKARDWF